The following is an entry in ClinVar:

ClinVar aggregate classification (germline): Uncertain significance. Review status: criteria provided, multiple submitters, no conflicts (2 of 4 stars). 2 submissions from 2 submitters: Uncertain significance (2). Last evaluated 2025-12-16.

gnomAD v4.1: 144 of 1,614,174 alleles (0.0089%); highest among the groups gnomAD compares: Non-Finnish European, 0.012%; no homozygotes.

Submissions (2):

Labcorp Genetics (formerly Invitae), Labcorp
Classification: Uncertain significance. Last evaluated: 2025-12-16. Review status: criteria provided, single submitter. Criteria: Invitae Variant Classification Sherloc (09022015). Collection method: clinical testing. Allele origin: germline.
Comment: This sequence change replaces glutamine, which is neutral and polar, with lysine, which is basic and polar, at codon 438 of the MCM4 protein (p.Gln438Lys). This variant is present in population databases (rs777908949, gnomAD 0.004%). This variant has not been reported in the literature in individuals affected with MCM4-related conditions. ClinVar contains an entry for this variant (Variation ID: 4105148). Invitae Evidence Modeling of protein sequence and biophysical properties (such as structural, functional, and spatial information, amino acid conservation, physicochemical variation, residue mobility, and thermodynamic stability) indicates that this missense variant is not expected to disrupt MCM4 protein function with a negative predictive value of 80%. In summary, the available evidence is currently insufficient to determine the role of this variant in disease. Therefore, it has been classified as a Variant of Uncertain Significance.

Ambry Genetics
Classification: Uncertain significance. Last evaluated: 2025-08-29. Review status: criteria provided, single submitter. Criteria: Ambry Variant Classification Scheme 2023. Collection method: clinical testing. Allele origin: germline.

NM_182746.3(MCM4):c.1312C>A (p.Gln438Lys)

Gene: MCM4 (minichromosome maintenance complex component 4; plus strand). Cytogenetic location: 8q11.21.
Variant type: single nucleotide variant.
Coding change: c.1312C>A on transcript NM_182746.3 (MANE Select); coding-DNA position 1312, C replaced by A.
Protein change: p.Gln438Lys; replaces glutamine 438 with lysine.
Molecular consequence: missense variant.
Genome position (GRCh38, 1-based): chr8:47,969,935, C>A. VCF-style: chr8-47969935-C-A. GRCh37 (hg19) VCF-style: chr8-48882495-C-A.
Other names: c.1312C>A, p.Gln438Lys (NM_005914.4); short protein forms Q438K.
Identifiers: ClinVar variation 4105148 (VCV004105148.2).